The following is an entry in ClinVar:

NM_001510.4(GRID2):c.2328T>G (p.His776Gln)

Gene: GRID2 (glutamate ionotropic receptor delta type subunit 2; plus strand). Cytogenetic location: 4q22.2.
Variant type: single nucleotide variant.
Coding change: c.2328T>G on transcript NM_001510.4 (MANE Select); coding-DNA position 2328, T replaced by G.
Protein change: p.His776Gln; replaces histidine 776 with glutamine.
Molecular consequence: missense variant.
Genome position (GRCh38, 1-based): chr4:93,626,403, T>G. VCF-style: chr4-93626403-T-G. GRCh37 (hg19) VCF-style: chr4-94547554-T-G.
Other names: c.2043T>G, p.His681Gln (NM_001286838.1); short protein forms H681Q, H776Q.
Identifiers: ClinVar variation 1950232 (VCV001950232.5), dbSNP rs769573831, ClinGen allele CA3012514.
Genomic context (GRCh38, chr4:93,626,403, plus strand): 5'-TTCCTTTTACACCATTGGAAATACTGTTGCTGATCGGGGATATGGAATTGCATTACAACA[T>G]GGCAGTCCTTACCGAGATGTTTTTTCACAAAGGTAAGATTTGTGTATGACCAAATAAGGG-3'
Protein context (NP_001501.2, residues 766-786): ADRGYGIALQ[His776Gln]GSPYRDVFSQ

ClinVar aggregate classification (germline): Uncertain significance (1 of 4 stars; one submission).

Allele frequency attached by ClinVar (database versions not stated): ExAC 0.00001; gnomAD 0.00001; TOPMed 0.00002.
gnomAD v4.1: 17 of 1,610,260 alleles (0.0011%); highest among the groups gnomAD compares: Non-Finnish European, 0.0014%; no homozygotes.

Submission:

Labcorp Genetics (formerly Invitae), Labcorp
Classification: Uncertain significance. Last evaluated: 2022-05-17. Review status: criteria provided, single submitter. Criteria: Invitae Variant Classification Sherloc (09022015). Collection method: clinical testing. Allele origin: germline.
Comment: In summary, the available evidence is currently insufficient to determine the role of this variant in disease. Therefore, it has been classified as a Variant of Uncertain Significance. Algorithms developed to predict the effect of missense changes on protein structure and function are either unavailable or do not agree on the potential impact of this missense change (SIFT: "Deleterious"; PolyPhen-2: "Possibly Damaging"; Align-GVGD: "Class C0"). This variant has not been reported in the literature in individuals affected with GRID2-related conditions. This variant is present in population databases (rs769573831, gnomAD 0.002%). This sequence change replaces histidine, which is basic and polar, with glutamine, which is neutral and polar, at codon 776 of the GRID2 protein (p.His776Gln).